The following is an entry in ClinVar:

NM_006514.4(SCN10A):c.451G>C (p.Asp151His)

Gene: SCN10A (sodium voltage-gated channel alpha subunit 10; minus strand). Cytogenetic location: 3p22.2.
Variant type: single nucleotide variant.
Coding change: c.451G>C on transcript NM_006514.4 (MANE Select); coding-DNA position 451, G replaced by C.
Protein change: p.Asp151His; replaces aspartic acid 151 with histidine.
Molecular consequence: missense variant.
Genome position (GRCh38, 1-based): chr3:38,788,975, C>G on the plus strand (G>C on the coding strand, the complement: SCN10A is on the minus strand). VCF-style: chr3-38788975-C-G. GRCh37 (hg19) VCF-style: chr3-38830466-C-G.
Other names: c.451G>C, p.Asp151His (NM_001293306.2, NM_001293307.2); c.451G>C (NM_006514.2); short protein forms D151H.
Identifiers: ClinVar variation 2041190 (VCV002041190.5), dbSNP rs149491608, ClinGen allele CA2321202.

ClinVar aggregate classification (germline): Uncertain significance. Review status: criteria provided, multiple submitters, no conflicts (2 of 4 stars). 2 submissions from 2 submitters: Uncertain significance (2). Last evaluated 2025-10-11.

Conditions:
Brugada syndrome. Also called: Sudden unexpected nocturnal death syndrome; Sudden Unexplained Death Syndrome; Sudden Unexplained Nocturnal Death Syndrome (SUNDS); Sudden unexplained nocturnal death syndrome. Identifiers: Orphanet 130, MedGen C1142166, MONDO:0015263.
Cardiovascular phenotype. Identifiers: MedGen CN230736.

Allele frequency attached by ClinVar (database versions not stated): gnomAD exomes below 0.00001; ExAC 0.00001; 1000 Genomes Project 0.00020; 1000 Genomes Project 30x 0.00031; gnomAD 0.00001.
gnomAD v4.1: 4 of 1,607,490 alleles (0.00025%); highest among the groups gnomAD compares: East Asian, 0.0089%; no homozygotes.

Submissions (2):

Ambry Genetics
Classification: Uncertain significance for Cardiovascular phenotype. Last evaluated: 2025-10-11. Review status: criteria provided, single submitter. Criteria: Ambry Variant Classification Scheme 2023. Collection method: clinical testing. Allele origin: germline.
Comment: The p.D151H variant (also known as c.451G>C), located in coding exon 3 of the SCN10A gene, results from a G to C substitution at nucleotide position 451. The aspartic acid at codon 151 is replaced by histidine, an amino acid with similar properties. This amino acid position is conserved. In addition, the in silico prediction for this alteration is inconclusive. Based on the available evidence, the clinical significance of this variant remains unclear.

Labcorp Genetics (formerly Invitae), Labcorp
Classification: Uncertain significance for Brugada syndrome. Last evaluated: 2022-03-04. Review status: criteria provided, single submitter. Criteria: Invitae Variant Classification Sherloc (09022015). Collection method: clinical testing. Allele origin: germline.
Comment: In summary, the available evidence is currently insufficient to determine the role of this variant in disease. Therefore, it has been classified as a Variant of Uncertain Significance. This sequence change replaces aspartic acid, which is acidic and polar, with histidine, which is basic and polar, at codon 151 of the SCN10A protein (p.Asp151His). This variant is present in population databases (rs149491608, gnomAD 0.006%). This variant has not been reported in the literature in individuals affected with SCN10A-related conditions. Algorithms developed to predict the effect of missense changes on protein structure and function are either unavailable or do not agree on the potential impact of this missense change (SIFT: "Tolerated"; PolyPhen-2: "Not Available"; Align-GVGD: "Class C0").